The following is an entry in ClinVar:

NM_000246.4(CIITA):c.823C>T (p.His275Tyr)

Gene: CIITA (class II major histocompatibility complex transactivator; plus strand). Cytogenetic location: 16p13.13.
Variant type: single nucleotide variant.
Coding change: c.823C>T on transcript NM_000246.4 (MANE Select); coding-DNA position 823, C replaced by T.
Protein change: p.His275Tyr; replaces histidine 275 with tyrosine.
Molecular consequence: missense variant. On other transcripts: non-coding transcript variant (1).
Genome position (GRCh38, 1-based): chr16:10,903,781, C>T. VCF-style: chr16-10903781-C-T. GRCh37 (hg19) VCF-style: chr16-10997638-C-T.
Other names: c.826C>T, p.His276Tyr (NM_001286402.1, NM_001379332.1); c.676C>T, p.His226Tyr (NM_001286403.2, NM_001379331.1); c.679C>T, p.His227Tyr (NM_001379330.1); c.823C>T, p.His275Tyr (NM_001379333.1); c.754C>T, p.His252Tyr (NM_001379334.1); short protein forms H227Y, H276Y, H226Y, H275Y, H252Y.
Identifiers: ClinVar variation 1897548 (VCV001897548.2), dbSNP rs2544430100, ClinGen allele CA394729189.

ClinVar aggregate classification (germline): Uncertain significance (1 of 4 stars; one submission).

Conditions:
MHC class II deficiency. Also called: Bare lymphocyte syndrome 2; BLS, TYPE II. Identifiers: Orphanet 572, MedGen C5447452, MONDO:0008855.

Allele frequency attached by ClinVar (database versions not stated): gnomAD exomes below 0.00001.
gnomAD v4.1: 2 of 1,614,154 alleles (0.00012%); highest among the groups gnomAD compares: South Asian, 0.0022%; no homozygotes.

Submission:

Labcorp Genetics (formerly Invitae), Labcorp
Classification: Uncertain significance for MHC class II deficiency. Last evaluated: 2021-09-01. Review status: criteria provided, single submitter. Criteria: Invitae Variant Classification Sherloc (09022015). Collection method: clinical testing. Allele origin: germline.
Comment: This sequence change replaces histidine with tyrosine at codon 275 of the CIITA protein (p.His275Tyr). The histidine residue is weakly conserved and there is a moderate physicochemical difference between histidine and tyrosine. This variant is not present in population databases (ExAC no frequency). This variant has not been reported in the literature in individuals affected with CIITA-related conditions. Algorithms developed to predict the effect of missense changes on protein structure and function output the following: SIFT: "Tolerated"; PolyPhen-2: "Benign"; Align-GVGD: "Class C0". The tyrosine amino acid residue is found in multiple mammalian species, which suggests that this missense change does not adversely affect protein function. In summary, the available evidence is currently insufficient to determine the role of this variant in disease. Therefore, it has been classified as a Variant of Uncertain Significance.